The following is an entry in ClinVar:

NM_000245.4(MET):c.1820A>G (p.Asn607Ser)

Gene: MET (MET proto-oncogene, receptor tyrosine kinase; plus strand). Cytogenetic location: 7q31.2.
Variant type: single nucleotide variant.
Coding change: c.1820A>G on transcript NM_000245.4 (MANE Select); coding-DNA position 1820, A replaced by G.
Protein change: p.Asn607Ser; replaces asparagine 607 with serine.
Molecular consequence: missense variant.
Genome position (GRCh38, 1-based): chr7:116,755,473, A>G. VCF-style: chr7-116755473-A-G. GRCh37 (hg19) VCF-style: chr7-116395527-A-G.
Other names: c.1820A>G, p.Asn607Ser (NM_001127500.3, NM_001324401.3); c.530A>G, p.Asn177Ser (NM_001324402.2); short protein forms N607S, N177S.
Identifiers: ClinVar variation 1480786 (VCV001480786.11), dbSNP rs2116910444, ClinGen allele CA368978108.

ClinVar aggregate classification (germline): Uncertain significance. Review status: criteria provided, multiple submitters, no conflicts (2 of 4 stars). 2 submissions from 2 submitters: Uncertain significance (2). Last evaluated 2025-12-24.

Conditions:
Renal cell carcinoma. Identifiers: Orphanet 217071, MedGen C0007134, MeSH D002292, MONDO:0005086, HP:0005584.
Hereditary cancer-predisposing syndrome. Also called: Tumor predisposition; Hereditary Cancer Syndrome; Hereditary neoplastic syndrome; Neoplastic Syndromes, Hereditary. Identifiers: Orphanet 140162, MedGen C0027672, MeSH D009386, MONDO:0015356.

Submissions (2):

Labcorp Genetics (formerly Invitae), Labcorp
Classification: Uncertain significance for Renal cell carcinoma. Last evaluated: 2025-12-24. Review status: criteria provided, single submitter. Criteria: Invitae Variant Classification Sherloc (09022015). Collection method: clinical testing. Allele origin: germline.
Comment: This sequence change replaces asparagine, which is neutral and polar, with serine, which is neutral and polar, at codon 607 of the MET protein (p.Asn607Ser). This variant is not present in population databases (gnomAD no frequency). This variant has not been reported in the literature in individuals affected with MET-related conditions. ClinVar contains an entry for this variant (Variation ID: 1480786). Invitae Evidence Modeling of protein sequence and biophysical properties (such as structural, functional, and spatial information, amino acid conservation, physicochemical variation, residue mobility, and thermodynamic stability) indicates that this missense variant is not expected to disrupt MET protein function with a negative predictive value of 80%. In summary, the available evidence is currently insufficient to determine the role of this variant in disease. Therefore, it has been classified as a Variant of Uncertain Significance.

Ambry Genetics
Classification: Uncertain significance for Hereditary cancer-predisposing syndrome. Last evaluated: 2025-06-28. Review status: criteria provided, single submitter. Criteria: Ambry Variant Classification Scheme 2023. Collection method: clinical testing. Allele origin: germline.
Comment: The p.N607S variant (also known as c.1820A>G), located in coding exon 5 of the MET gene, results from an A to G substitution at nucleotide position 1820. The asparagine at codon 607 is replaced by serine, an amino acid with highly similar properties. This amino acid position is not well conserved in available vertebrate species. In addition, this alteration is predicted to be tolerated by in silico analysis. Since supporting evidence is limited at this time, the clinical significance of this alteration remains unclear.